The following is an entry in ClinVar:

NM_001267550.2(TTN):c.1128G>A (p.Trp376Ter)

Gene: TTN (titin; minus strand). Cytogenetic location: 2q31.2.
Variant type: single nucleotide variant.
Coding change: c.1128G>A on transcript NM_001267550.2 (MANE Select); coding-DNA position 1128, G replaced by A.
Protein change: p.Trp376Ter; replaces tryptophan 376 with a stop codon.
Molecular consequence: nonsense.
Genome position (GRCh38, 1-based): chr2:178,795,039, C>T on the plus strand (G>A on the coding strand, the complement: TTN is on the minus strand). VCF-style: chr2-178795039-C-T. GRCh37 (hg19) VCF-style: chr2-179659766-C-T.
Other names: c.1128G>A, p.Trp376Ter (NM_001256850.1, NM_003319.4, NM_133378.4 and 3 more transcripts); c.1128G>A (NM_001267550.1); short protein forms W376*.
Identifiers: ClinVar variation 861505 (VCV000861505.12), dbSNP rs932770906, ClinGen allele CA349518094.
Genomic context (GRCh38, chr2:178,795,039, plus strand): 5'-GGCGGCAGCACCCGCAGCACCACTGATGGTCACTTGCTCCTGGACACCGTATCTCCCTTC[C>T]CATCTCTCTTCTGTCCTGATCTGAGTAGAGGTTGTCAGCGTTGTCTCTCTCATCTCAGCC-3'

ClinVar aggregate classification (germline): Conflicting classifications of pathogenicity. Review status: criteria provided, conflicting classifications (1 of 4 stars). 3 submissions from 3 submitters: Likely pathogenic (1); Uncertain significance (1). 1 of the submissions does not count toward it. Last evaluated 2024-12-30.

Conditions:
Dilated cardiomyopathy 1G (CMD1G). Identifiers: Orphanet 154, MedGen C1858763, MONDO:0011400, OMIM 604145.
Autosomal recessive limb-girdle muscular dystrophy type 2J (LGMDR10). Also called: Limb-girdle muscular dystrophy, type 2J; MUSCULAR DYSTROPHY, LIMB-GIRDLE, AUTOSOMAL RECESSIVE 10. Identifiers: Orphanet 140922, MedGen C1837342, MONDO:0012127, OMIM 608807.

Submissions (3):

Labcorp Genetics (formerly Invitae), Labcorp
Classification: Likely pathogenic for Dilated cardiomyopathy 1G; Autosomal recessive limb-girdle muscular dystrophy type 2J. Last evaluated: 2024-12-30. Review status: criteria provided, single submitter. Criteria: Invitae Variant Classification Sherloc (09022015). Collection method: clinical testing. Allele origin: germline.
Comment: This sequence change creates a premature translational stop signal (p.Trp376*) in the TTN gene. While this is not anticipated to result in nonsense mediated decay, it is expected to create a truncated TTN protein. This variant is not present in population databases (gnomAD no frequency). This variant has not been reported in the literature in individuals affected with TTN-related conditions. ClinVar contains an entry for this variant (Variation ID: 861505). This variant is located in the Z band of TTN (PMID: 25589632). Truncating variants in this region have been reported in individuals affected with autosomal recessive centronuclear myopathy (PMID: 33449170, internal data). Truncating variants in this region have also been identified in individuals affected with autosomal dominant dilated cardiomyopathy and/or cardio-related conditions (PMID: 27869827, 32964742, internal data). In summary, the currently available evidence indicates that the variant is pathogenic, but additional data are needed to prove that conclusively. Therefore, this variant has been classified as Likely Pathogenic.

GeneDx
Classification: Uncertain significance. Last evaluated: 2024-05-02. Review status: criteria provided, single submitter. Criteria: GeneDx Variant Classification Process June 2021. Collection method: clinical testing. Allele origin: germline. Affected: yes.
Comment: Not observed at significant frequency in large population cohorts (gnomAD); Nonsense variant predicted to result in protein truncation or nonsense mediated decay in a gene or region of a gene for which loss of function is not a well-established mechanism of disease; Has not been previously published as pathogenic or benign to our knowledge

Cardiogenetics and Myogenetics Molecular and Cellular Functional Unit, Aphp Sorbonne University-Hopital Pitie Salpetriere
Classification: Likely pathogenic for Dilated cardiomyopathy 1G. Last evaluated: 2024-01-06. Review status: no assertion criteria provided. Collection method: clinical testing. Allele origin: germline. Affected: yes. Not counted in ClinVar's aggregate classification.

Literature cited by the submitters: PubMed 25589632 (cited by Labcorp Genetics (formerly Invitae), Labcorp); PubMed 33449170 (cited by Labcorp Genetics (formerly Invitae), Labcorp); PubMed 27869827 (cited by Labcorp Genetics (formerly Invitae), Labcorp); PubMed 32964742 (cited by Labcorp Genetics (formerly Invitae), Labcorp).